The following is an entry in ClinVar:

ClinVar aggregate classification (germline): Pathogenic (1 of 4 stars; one submission).

Conditions:
LAMA2-related muscular dystrophy (LAMA2-RD). Also called: Laminin alpha 2-related dystrophy. Identifiers: MedGen C5679788, MONDO:0100228.

Submission:

Labcorp Genetics (formerly Invitae), Labcorp
Classification: Pathogenic for LAMA2-related muscular dystrophy. Last evaluated: 2020-10-26. Review status: criteria provided, single submitter. Criteria: Invitae Variant Classification Sherloc (09022015). Collection method: clinical testing. Allele origin: germline.
Comment: This variant has not been reported in the literature in individuals with LAMA2-related conditions. For these reasons, this variant has been classified as Pathogenic. This variant is a gross deletion of the genomic region encompassing exon(s) 50-55 of the LAMA2 gene. This deletion is out-of-frame, and is expected to create a premature translational stop signal and result in an absent or disrupted protein product. Loss-of-function variants in LAMA2 are known to be pathogenic (PMID: 18700894).

Literature cited by the submitters: PubMed 18700894.

NC_000006.11:g.(?_129785425)_(129802594_?)del

Gene: LAMA2 (laminin subunit alpha 2; plus strand). Cytogenetic location: 6q22.33.
Variant type: Deletion.
Identifiers: ClinVar variation 1075608 (VCV001075608.8).